The following is an entry in ClinVar:

NM_006017.3(PROM1):c.303G>A (p.Lys101=)

Gene: PROM1 (prominin 1; minus strand). Cytogenetic location: 4p15.32.
Variant type: single nucleotide variant.
Coding change: c.303G>A on transcript NM_006017.3 (MANE Select); coding-DNA position 303, G replaced by A.
Protein change: p.Lys101=; no amino-acid change (lysine 101 retained).
Molecular consequence: synonymous variant. On other transcripts: intron variant (7).
Genome position (GRCh38, 1-based): chr4:16,035,735, C>T on the plus strand (G>A on the coding strand, the complement: PROM1 is on the minus strand). VCF-style: chr4-16035735-C-T. GRCh37 (hg19) VCF-style: chr4-16037358-C-T.
Other names: c.303G>A, p.Lys101= (NM_001145849.2, NM_001145850.2); c.277-2226G>A (NM_001145848.2, NM_001145852.2, NM_001145847.2 and 4 more transcripts).
Identifiers: ClinVar variation 3687384 (VCV003687384.2).

ClinVar aggregate classification (germline): Uncertain significance (1 of 4 stars; one submission).

Submission:

Labcorp Genetics (formerly Invitae), Labcorp
Classification: Uncertain significance. Last evaluated: 2024-07-08. Review status: criteria provided, single submitter. Criteria: Invitae Variant Classification Sherloc (09022015). Collection method: clinical testing. Allele origin: germline.
Comment: This sequence change affects codon 101 of the PROM1 mRNA. It is a 'silent' change, meaning that it does not change the encoded amino acid sequence of the PROM1 protein. This variant also falls at the last nucleotide of exon 3, which is part of the consensus splice site for this exon. This variant is not present in population databases (gnomAD no frequency). This variant has not been reported in the literature in individuals affected with PROM1-related conditions. Variants that disrupt the consensus splice site are a relatively common cause of aberrant splicing (PMID: 17576681, 9536098). Algorithms developed to predict the effect of sequence changes on RNA splicing suggest that this variant may disrupt the consensus splice site. In summary, the available evidence is currently insufficient to determine the role of this variant in disease. Therefore, it has been classified as a Variant of Uncertain Significance.

Literature cited by the submitters: PubMed 17576681; PubMed 9536098.